The following is an entry in ClinVar:

NM_020759.3(STARD9):c.4367C>T (p.Ala1456Val)

Gene: STARD9 (StAR related lipid transfer domain containing 9; plus strand). Cytogenetic location: 15q15.2.
Variant type: single nucleotide variant.
Coding change: c.4367C>T on transcript NM_020759.3 (MANE Select); coding-DNA position 4367, C replaced by T.
Protein change: p.Ala1456Val; replaces alanine 1456 with valine.
Molecular consequence: missense variant.
Genome position (GRCh38, 1-based): chr15:42,685,945, C>T. VCF-style: chr15-42685945-C-T. GRCh37 (hg19) VCF-style: chr15-42978143-C-T.
Other names: short protein forms A1456V.
Identifiers: ClinVar variation 2645242 (VCV002645242.24), dbSNP rs2505779679, ClinGen allele CA392042432.

ClinVar aggregate classification (germline): Uncertain significance (1 of 4 stars; one submission).

Allele frequency attached by ClinVar (database versions not stated): gnomAD exomes below 0.00001.
gnomAD v4.1: 2 of 1,537,188 alleles (0.00013%); highest among the groups gnomAD compares: South Asian, 0.0012%; no homozygotes.

Submission:

CeGaT Center for Human Genetics Tuebingen
Classification: Uncertain significance. Last evaluated: 2023-08-01. Review status: criteria provided, single submitter. Criteria: CeGaT Center For Human Genetics Tuebingen Variant Classification Criteria Version 2. Collection method: clinical testing. Allele origin: germline. Affected: yes. Observed: 1 variant allele.
Comment: STARD9: PM2, BP4